The following is an entry in ClinVar:

NM_015506.2(MMACHC):c.280_289del

Gene: MMACHC (metabolism of cobalamin associated C; plus strand). Cytogenetic location: 1p34.1.
Variant type: Deletion.
Coding change: c.280_289del on transcript NM_015506.2; coding-DNA positions 280 to 289, 10 bases deleted (CTCCCAGAGC; older notation c.280_289delCTCCCAGAGC).
Genome position (GRCh38, 1-based): chr1:45,508,215-45,508,224, CTCCCAGAGC deleted; deleting any 10 consecutive bases within chr1:45,508,208-45,508,224 gives the same sequence; the c. name uses the placement nearest the transcript's 3' end. VCF-style (leftmost placement, unchanged base first): chr1-45508207-TCCAGAGCCTC-T. GRCh37 (hg19) VCF-style: chr1-45973879-TCCAGAGCCTC-T.
Identifiers: ClinVar variation 4815866 (VCV004815866.1).

ClinVar aggregate classification (germline): Likely pathogenic (1 of 4 stars; one submission).

Conditions:
Cobalamin C disease. Also called: Cobalamin-C methylmalonic acidemia and homocystinuria; Methylmalonic acidemia and homocystinuria cblC type; Methylmalonic aciduria and homocystinuria, Vitamin B12-responsive; Vitamin B12 metabolic defect with combined deficiency of methylmalonyl-CoA mutase and homocysteine:methyltetrahydrofolate methyltransferase; methylmalonic aciduria and homocystinuria type cblC; Methylmalonic aciduria with homocystinuria cblC type. Identifiers: Orphanet 26, Orphanet 79282, MedGen C1848561, MONDO:0010184, OMIM 277400.

Submission:

Natera, Inc.
Classification: Likely pathogenic for Methylmalonic aciduria and homocystinuria cblC type. Last evaluated: 2025-11-05. Review status: criteria provided, single submitter. Criteria: Natera Variant Classification Schema (03/2026). Collection method: clinical testing. Allele origin: germline.
Comment: The c.280_289del variant in MMACHC is a frameshift variant predicted to shift the reading frame beginning at codon 94 and leads to a stop codon 3 codons downstream. This variant is expected to result in nonsense mediated decay, truncation, or a dysfunctional protein product. This variant is rare in the general population with a frequency below the threshold expected for the associated phenotype(s). Given the available evidence, this variant is classified as Likely Pathogenic.